The following is an entry in ClinVar:

ClinVar aggregate classification (germline): Conflicting classifications of pathogenicity. Review status: criteria provided, conflicting classifications (1 of 4 stars). 5 submissions from 5 submitters: Uncertain significance (1); Likely benign (4). Last evaluated 2026-05-27.

Conditions:
TTN-related disorder. Also called: TTN-related condition; TTN-related disease; TTN-related disorders.

Allele frequency attached by ClinVar (database versions not stated): gnomAD 0.00001; TOPMed 0.00003.
gnomAD v4.1: 58 of 1,612,802 alleles (0.0036%); highest among the groups gnomAD compares: Middle Eastern, 0.16%; 1 homozygote.

Submissions (5):

PreventionGenetics, part of Exact Sciences
Classification: Likely benign for TTN-related condition. Last evaluated: 2026-05-27. Review status: criteria provided, single submitter. Criteria: ACMG Guidelines, 2015. Collection method: clinical testing. Allele origin: germline.
Comment: This variant is classified as likely benign based on ACMG/AMP sequence variant interpretation guidelines (Richards et al. 2015 PMID: 25741868, with internal and published modifications).

CeGaT Center for Human Genetics Tuebingen
Classification: Likely benign. Last evaluated: 2026-01-01. Review status: criteria provided, single submitter. Criteria: CeGaT Center For Human Genetics Tuebingen Variant Classification Criteria Version 2. Collection method: clinical testing. Allele origin: germline. Affected: yes. Observed: 4 variant alleles.
Comment: TTN: BP4, BP7

Blueprint Genetics
Classification: Likely benign. Last evaluated: 2021-12-06. Review status: criteria provided, single submitter. Criteria: ACMG Guidelines, 2015. Collection method: clinical testing. Allele origin: germline.

GeneDx
Classification: Likely benign. Last evaluated: 2019-05-01. Review status: criteria provided, single submitter. Criteria: GeneDx Variant Classification Process June 2021. Collection method: clinical testing. Allele origin: germline. Affected: yes.

Eurofins Ntd Llc (ga)
Classification: Uncertain significance. Last evaluated: 2017-06-15. Review status: criteria provided, single submitter. Criteria: EGL Classification Definitions 2015. Collection method: clinical testing. Allele origin: germline. Observed: 1 variant allele, 1 heterozygote.

NM_133379.5(TTN):c.11940T>C (p.Asn3980=)

Gene: TTN (titin; minus strand). Cytogenetic location: 2q31.2.
Variant type: single nucleotide variant.
Coding change: c.11940T>C on transcript NM_133379.5; coding-DNA position 11940, T replaced by C.
Protein change: p.Asn3980=; no amino-acid change (asparagine 3980 retained).
Molecular consequence: synonymous variant. On other transcripts: intron variant (6).
Genome position (GRCh38, 1-based): chr2:178,750,460, A>G on the plus strand (T>C on the coding strand, the complement: TTN is on the minus strand). VCF-style: chr2-178750460-A-G. GRCh37 (hg19) VCF-style: chr2-179615187-A-G.
Other names: c.11940T>C (NM_133379.4); c.10222+2664T>C (NM_003319.4); c.10798+2664T>C (NM_133437.4); c.10597+2664T>C (NM_133432.3); c.10360+2664T>C (NM_133378.4, NM_001256850.1); c.11311+2664T>C (NM_001267550.2).
Identifiers: ClinVar variation 502555 (VCV000502555.45), dbSNP rs923904530, ClinGen allele CA60989887.